The following is an entry in ClinVar:

ClinVar aggregate classification (germline): Uncertain significance (1 of 4 stars; one submission).

Conditions:
Agammaglobulinemia 2, autosomal recessive (AGM2). Also called: AGAMMAGLOBULINEMIA, AUTOSOMAL RECESSIVE, DUE TO IGLL1 DEFECT. Identifiers: MedGen C3150750, MONDO:0013287, OMIM 613500.

Submission:

Labcorp Genetics (formerly Invitae), Labcorp
Classification: Uncertain significance for Agammaglobulinemia 2, autosomal recessive. Last evaluated: 2024-02-02. Review status: criteria provided, single submitter. Criteria: Invitae Variant Classification Sherloc (09022015). Collection method: clinical testing. Allele origin: germline.
Comment: This sequence change replaces methionine, which is neutral and non-polar, with isoleucine, which is neutral and non-polar, at codon 197 of the IGLL1 protein (p.Met197Ile). This variant is present in population databases (rs774116640, gnomAD 0.0009%). This variant has not been reported in the literature in individuals affected with IGLL1-related conditions. An algorithm developed to predict the effect of missense changes on protein structure and function (PolyPhen-2) suggests that this variant is likely to be tolerated. In summary, the available evidence is currently insufficient to determine the role of this variant in disease. Therefore, it has been classified as a Variant of Uncertain Significance.

NM_020070.4(IGLL1):c.591G>T (p.Met197Ile)

Gene: IGLL1 (immunoglobulin lambda like polypeptide 1; minus strand). Cytogenetic location: 22q11.23.
Variant type: single nucleotide variant.
Coding change: c.591G>T on transcript NM_020070.4 (MANE Select); coding-DNA position 591, G replaced by T.
Protein change: p.Met197Ile; replaces methionine 197 with isoleucine.
Molecular consequence: missense variant. On other transcripts: 3 prime UTR variant (1).
Genome position (GRCh38, 1-based): chr22:23,573,317, C>A on the plus strand (G>T on the coding strand, the complement: IGLL1 is on the minus strand). VCF-style: chr22-23573317-C-A. GRCh37 (hg19) VCF-style: chr22-23915504-C-A.
Other names: c.594G>T, p.Met198Ile (NM_001369906.1); c.*220G>T (NM_152855.3); short protein forms M197I, M198I.
Identifiers: ClinVar variation 3638219 (VCV003638219.2).
Genomic context (GRCh38, chr22:23,573,317, plus strand): 5'-GCTGGGAACCTATGAACATTCTGCAGGGGCCACCGTCTTCTCCACGGTGCTCCCTTCGTG[C>A]ATGACCTGGCAGCTGTAGCTTCTGCGGGACCTCCACTGCTCGGGCGTCAGGCTCAGGTAG-3'
Protein context (NP_064455.1, residues 187-207): RSRRSYSCQV[Met197Ile]HEGSTVEKTV